The following is an entry in ClinVar:

ClinVar aggregate classification (germline): Uncertain significance (1 of 4 stars; one submission).

Conditions:
Hereditary cancer-predisposing syndrome. Also called: Hereditary neoplastic syndrome; Neoplastic Syndromes, Hereditary; Tumor predisposition; Hereditary Cancer Syndrome. Identifiers: Orphanet 140162, MedGen C0027672, MeSH D009386, MONDO:0015356.

Submission:

Ambry Genetics
Classification: Uncertain significance for Hereditary cancer-predisposing syndrome. Last evaluated: 2025-08-27. Review status: criteria provided, single submitter. Criteria: Ambry Variant Classification Scheme 2023. Collection method: clinical testing. Allele origin: germline.
Comment: The p.G325A variant (also known as c.974G>C), located in coding exon 11 of the MUTYH gene, results from a G to C substitution at nucleotide position 974. The glycine at codon 325 is replaced by alanine, an amino acid with similar properties. This amino acid position is conserved. In addition, this alteration is predicted to be tolerated by in silico analysis. Based on the available evidence, the clinical significance of this variant remains unclear.

NM_001048174.2(MUTYH):c.890G>C (p.Gly297Ala)

Gene: MUTYH (mutY DNA glycosylase; minus strand). Cytogenetic location: 1p34.1.
Variant type: single nucleotide variant.
Coding change: c.890G>C on transcript NM_001048174.2 (MANE Select); coding-DNA position 890, G replaced by C.
Protein change: p.Gly297Ala; replaces glycine 297 with alanine.
Molecular consequence: missense variant. On other transcripts: non-coding transcript variant (7).
Genome position (GRCh38, 1-based): chr1:45,332,046, C>G on the plus strand (G>C on the coding strand, the complement: MUTYH is on the minus strand). VCF-style: chr1-45332046-C-G. GRCh37 (hg19) VCF-style: chr1-45797718-C-G.
Other names: c.893G>C, p.Gly298Ala (NM_001048172.2, NM_001407071.1, NM_001407078.1 and 1 more transcripts); c.890G>C, p.Gly297Ala (NM_001048173.2, NM_001048171.2, NM_001407070.1 and 6 more transcripts); c.614G>C, p.Gly205Ala (NM_001293196.2, NM_001407091.1, NM_001293192.2); c.545G>C, p.Gly182Ala (NM_001350650.2, NM_001350651.2, NM_001407082.1); c.923G>C, p.Gly308Ala (NM_001407069.1, NM_001293191.2, NM_001407077.1); c.806G>C, p.Gly269Ala (NM_001407075.1); c.965G>C, p.Gly322Ala (NM_012222.3); c.974G>C, p.Gly325Ala (NM_001128425.2); and 5 more; short protein forms G297A, G311A, G325A, G284A, G304A, G308A, G182A, G205A.
Identifiers: ClinVar variation 4113974 (VCV004113974.1).